The following is an entry in ClinVar:

ClinVar aggregate classification (germline): Uncertain significance (1 of 4 stars; one submission).

Conditions:
LAMA2-related muscular dystrophy (LAMA2-RD). Also called: Laminin alpha 2-related dystrophy. Identifiers: MedGen C5679788, MONDO:0100228.

Submission:

Labcorp Genetics (formerly Invitae), Labcorp
Classification: Uncertain significance for Laminin alpha 2-related dystrophy. Last evaluated: 2019-05-01. Review status: criteria provided, single submitter. Criteria: Invitae Variant Classification Sherloc (09022015). Collection method: clinical testing. Allele origin: germline.
Comment: This variant results in a copy number gain of the genomic region encompassing exons 11-12 of the LAMA2 gene. While the exact position of this variant cannot be determined from this data, sub-genic copy number gains are generally in tandem (PMID: 25640679). This variant would be expected to be in-frame, preserving the integrity of the reading frame. This variant has not been reported in the literature in individuals with LAMA2-related conditions. Experimental studies and prediction algorithms are not available for this variant, and the functional significance of the affected amino acid(s) is currently unknown. In summary, the available evidence is currently insufficient to determine the role of this variant in disease. Therefore, it has been classified as a Variant of Uncertain Significance.

NC_000006.12:g.(?_129190195)_(129192863_?)dup

Gene: LAMA2 (laminin subunit alpha 2; plus strand). Cytogenetic location: 6q22.33.
Variant type: Duplication.
Identifiers: ClinVar variation 831944 (VCV000831944.1).